The following is an entry in ClinVar:

NM_000719.7(CACNA1C):c.3946-59C>G

Gene: CACNA1C (calcium voltage-gated channel subunit alpha1 C; plus strand). Cytogenetic location: 12p13.33.
Variant type: single nucleotide variant.
Coding change: c.3946-59C>G on transcript NM_000719.7 (MANE Select); 59 bases into the intron before coding-DNA position 3946, C replaced by G.
Molecular consequence: intron variant. On other transcripts: missense variant (1).
Genome position (GRCh38, 1-based): chr12:2,651,581, C>G. VCF-style: chr12-2651581-C-G. GRCh37 (hg19) VCF-style: chr12-2760747-C-G.
Other names: c.3953C>G, p.Ser1318Cys (NM_001129829.2); c.3946-59C>G (NM_001167624.3, NM_001167623.2, NM_001129840.2 and 7 more transcripts); c.3913-59C>G (NM_001167625.2, NM_001129837.2, NM_001129838.2 and 1 more transcripts); c.4090-59C>G (NM_199460.4, NM_001129827.2); c.4006-59C>G (NM_001129832.2); c.4030-59C>G (NM_001129831.2); c.3907-59C>G (NM_001129839.2); c.3997-59C>G (NM_001129836.2); and 1 more; short protein forms S1318C.
Identifiers: ClinVar variation 2635146 (VCV002635146.1), dbSNP rs2527659565, ClinGen allele CA383373312.

ClinVar aggregate classification (germline): Uncertain significance (1 of 4 stars; one submission).

Conditions:
CACNA1C-related disorder. Also called: CACNA1C-related condition; CACNA1C-related disorders. Identifiers: MedGen CN381092, MONDO:0700321.

Allele frequency attached by ClinVar (database versions not stated): gnomAD exomes below 0.00001.
gnomAD v4.1: 5 of 1,613,616 alleles (0.00031%); highest among the groups gnomAD compares: Non-Finnish European, 0.00042%; no homozygotes.

Submission:

PreventionGenetics, part of Exact Sciences
Classification: Uncertain significance for CACNA1C-related condition. Last evaluated: 2022-10-29. Review status: criteria provided, single submitter. Criteria: ACMG Guidelines, 2015. Collection method: clinical testing. Allele origin: germline.
Comment: The CACNA1C c.3953C>G variant is predicted to result in the amino acid substitution p.Ser1318Cys. To our knowledge, this variant has not been reported in the literature or in a large population database, indicating this variant is rare. At this time, the clinical significance of this variant is uncertain due to the absence of conclusive functional and genetic evidence.